The following is an entry in ClinVar:

ClinVar aggregate classification (germline): Likely pathogenic (1 of 4 stars; one submission).

Submission:

Labcorp Genetics (formerly Invitae), Labcorp
Classification: Likely pathogenic. Last evaluated: 2023-09-12. Review status: criteria provided, single submitter. Criteria: Invitae Variant Classification Sherloc (09022015). Collection method: clinical testing. Allele origin: germline.
Comment: This sequence change affects an acceptor splice site in intron 41 of the POLE gene. It is expected to disrupt RNA splicing. Variants that disrupt the donor or acceptor splice site typically lead to a loss of protein function (PMID: 16199547), and loss-of-function variants in POLE are known to be pathogenic (PMID: 23230001, 25948378, 30503519). This variant is not present in population databases (gnomAD no frequency). This variant has not been reported in the literature in individuals affected with POLE-related conditions. ClinVar contains an entry for this variant (Variation ID: 1035676). Algorithms developed to predict the effect of sequence changes on RNA splicing suggest that this variant may disrupt the consensus splice site. In summary, the currently available evidence indicates that the variant is pathogenic, but additional data are needed to prove that conclusively. Therefore, this variant has been classified as Likely Pathogenic.

Literature cited by the submitters: PubMed 16199547; PubMed 23230001; PubMed 25948378; PubMed 30503519.

NM_006231.4(POLE):c.5679-1G>A

Gene: POLE (DNA polymerase epsilon, catalytic subunit; minus strand). Cytogenetic location: 12q24.33.
Variant type: single nucleotide variant.
Coding change: c.5679-1G>A on transcript NM_006231.4 (MANE Select); the canonical splice acceptor site of the intron before coding-DNA position 5679, G replaced by A.
Molecular consequence: splice acceptor variant.
Genome position (GRCh38, 1-based): chr12:132,636,025, C>T on the plus strand (G>A on the coding strand, the complement: POLE is on the minus strand). VCF-style: chr12-132636025-C-T. GRCh37 (hg19) VCF-style: chr12-133212611-C-T.
Identifiers: ClinVar variation 1035676 (VCV001035676.11), dbSNP rs2042025444, ClinGen allele CA387373286.